The following is an entry in ClinVar:

NM_003823.4(TNFRSF6B):c.191G>A (p.Arg64Gln)

Genes: RTEL1-TNFRSF6B (RTEL1-TNFRSF6B readthrough (NMD candidate); plus strand), TNFRSF6B (TNF receptor superfamily member 6b; plus strand). Cytogenetic location: 20q13.33.
Variant type: single nucleotide variant.
Coding change: c.191G>A on transcript NM_003823.4 (MANE Select); coding-DNA position 191, G replaced by A.
Protein change: p.Arg64Gln; replaces arginine 64 with glutamine.
Molecular consequence: missense variant. On other transcripts: non-coding transcript variant (1).
Genome position (GRCh38, 1-based): chr20:63,696,958, G>A. VCF-style: chr20-63696958-G-A. GRCh37 (hg19) VCF-style: chr20-62328311-G-A.
Other names: short protein forms R64Q.
Identifiers: ClinVar variation 1436101 (VCV001436101.8), dbSNP rs61760056, ClinGen allele CA9966355.

ClinVar aggregate classification (germline): Uncertain significance (1 of 4 stars; one submission).

Allele frequency attached by ClinVar (database versions not stated): TOPMed 0.00003; gnomAD 0.00004.

Submission:

Labcorp Genetics (formerly Invitae), Labcorp
Classification: Uncertain significance. Last evaluated: 2025-07-03. Review status: criteria provided, single submitter. Criteria: Invitae Variant Classification Sherloc (09022015). Collection method: clinical testing. Allele origin: germline.
Comment: This sequence change replaces arginine, which is basic and polar, with glutamine, which is neutral and polar, at codon 64 of the TNFRSF6B protein (p.Arg64Gln). This variant is present in population databases (rs61760056, gnomAD 0.07%), and has an allele count higher than expected for a pathogenic variant. This variant has not been reported in the literature in individuals affected with TNFRSF6B-related conditions. ClinVar contains an entry for this variant (Variation ID: 1436101). An algorithm developed to predict the effect of missense changes on protein structure and function outputs the following: PolyPhen-2: "Benign". The glutamine amino acid residue is found in multiple mammalian species, which suggests that this missense change does not adversely affect protein function. In summary, the available evidence is currently insufficient to determine the role of this variant in disease. Therefore, it has been classified as a Variant of Uncertain Significance.